The following is an entry in ClinVar:

ClinVar aggregate classification (germline): Uncertain significance. Review status: criteria provided, multiple submitters, no conflicts (2 of 4 stars). 2 submissions from 2 submitters: Uncertain significance (2). Last evaluated 2024-05-13.

Conditions:
Glycogen storage disease type X (GSD10). Also called: Dimauro disease; PGAMM DEFICIENCY; PHOSPHOGLYCERATE MUTASE, MUSCLE, DEFICIENCY OF; GSD X; MYOPATHY DUE TO PHOSPHOGLYCERATE MUTASE DEFICIENCY; Glycogen storage disease due to phosphoglycerate mutase deficiency. Identifiers: Orphanet 97234, MedGen C0268149, MONDO:0009865, OMIM 261670.

Allele frequency attached by ClinVar (database versions not stated): gnomAD 0.00002; gnomAD exomes 0.00009; ExAC 0.00019.
gnomAD v4.1: 126 of 1,613,984 alleles (0.0078%); highest among the groups gnomAD compares: South Asian, 0.14%; 1 homozygote.

Submissions (2):

Blueprint Genetics
Classification: Uncertain significance. Last evaluated: 2024-05-13. Review status: criteria provided, single submitter. Criteria: ACMG Guidelines, 2015. Collection method: clinical testing. Allele origin: germline.

Labcorp Genetics (formerly Invitae), Labcorp
Classification: Uncertain significance for Glycogen storage disease type X. Last evaluated: 2022-08-11. Review status: criteria provided, single submitter. Criteria: Invitae Variant Classification Sherloc (09022015). Collection method: clinical testing. Allele origin: germline.
Comment: This sequence change replaces lysine, which is basic and polar, with glutamic acid, which is acidic and polar, at codon 46 of the PGAM2 protein (p.Lys46Glu). This variant is present in population databases (rs769568105, gnomAD 0.1%). This variant has not been reported in the literature in individuals affected with PGAM2-related conditions. Algorithms developed to predict the effect of missense changes on protein structure and function are either unavailable or do not agree on the potential impact of this missense change (SIFT: "Deleterious"; PolyPhen-2: "Benign"; Align-GVGD: "Class C15"). In summary, the available evidence is currently insufficient to determine the role of this variant in disease. Therefore, it has been classified as a Variant of Uncertain Significance.

NM_000290.4(PGAM2):c.136A>G (p.Lys46Glu)

Genes: DBNL (drebrin like; plus strand), PGAM2 (phosphoglycerate mutase 2; minus strand). Cytogenetic location: 7p13.
Variant type: single nucleotide variant.
Coding change: c.136A>G on transcript NM_000290.4 (MANE Select); coding-DNA position 136, A replaced by G.
Protein change: p.Lys46Glu; replaces lysine 46 with glutamic acid.
Molecular consequence: missense variant. On other transcripts: 3 prime UTR variant (6).
Genome position (GRCh38, 1-based): chr7:44,065,394, T>C on the plus strand (A>G on the coding strand, the complement: PGAM2 is on the minus strand). VCF-style: chr7-44065394-T-C. GRCh37 (hg19) VCF-style: chr7-44104993-T-C.
Other names: c.*4478T>C (NM_001014436.3, NM_001122956.2, NM_001284313.2 and 3 more transcripts); short protein forms K46E.
Identifiers: ClinVar variation 2161014 (VCV002161014.2), dbSNP rs769568105, ClinGen allele CA4236666.